The following is an entry in ClinVar:

NM_032833.5(PPP1R15B):c.156C>T (p.Ser52=)

Gene: PPP1R15B (protein phosphatase 1 regulatory subunit 15B; minus strand). Cytogenetic location: 1q32.1.
Variant type: single nucleotide variant.
Coding change: c.156C>T on transcript NM_032833.5 (MANE Select); coding-DNA position 156, C replaced by T.
Protein change: p.Ser52=; no amino-acid change (serine 52 retained).
Molecular consequence: synonymous variant.
Genome position (GRCh38, 1-based): chr1:204,411,256, G>A on the plus strand (C>T on the coding strand, the complement: PPP1R15B is on the minus strand). VCF-style: chr1-204411256-G-A. GRCh37 (hg19) VCF-style: chr1-204380384-G-A.
Identifiers: ClinVar variation 710913 (VCV000710913.54), dbSNP rs147611819, ClinGen allele CA1346888.

ClinVar aggregate classification (germline): Benign/Likely benign. Review status: criteria provided, multiple submitters, no conflicts (2 of 4 stars). 4 submissions from 4 submitters: Benign (1); Likely benign (3). Last evaluated 2026-09-01.

Allele frequency attached by ClinVar (database versions not stated): gnomAD 0.00087 and 0.00123; TOPMed 0.00101; ESP Exome Variant Server 0.00131; 1000 Genomes Project 30x 0.00156; gnomAD exomes 0.00156 and 0.00208; 1000 Genomes Project 0.00180; ExAC 0.00194.
gnomAD v4.1: 2,505 of 1,614,270 alleles (0.16%); highest among the groups gnomAD compares: South Asian, 0.86%; 9 homozygotes.

Submissions (4):

CeGaT Center for Human Genetics Tuebingen
Classification: Likely benign. Last evaluated: 2026-09-01. Review status: criteria provided, single submitter. Criteria: CeGaT Center For Human Genetics Tuebingen Variant Classification Criteria Version 2. Collection method: clinical testing. Allele origin: germline. Affected: yes. Observed: 9 variant alleles.
Comment: PPP1R15B: BP4, BP7

Labcorp Genetics (formerly Invitae), Labcorp
Classification: Benign. Last evaluated: 2025-12-31. Review status: criteria provided, single submitter. Criteria: Invitae Variant Classification Sherloc (09022015). Collection method: clinical testing. Allele origin: germline.

Blueprint Genetics
Classification: Likely benign. Last evaluated: 2024-11-26. Review status: criteria provided, single submitter. Criteria: ACMG Guidelines, 2015. Collection method: clinical testing. Allele origin: germline.

Genetic Services Laboratory, University of Chicago
Classification: Likely benign. Last evaluated: 2019-07-08. Review status: criteria provided, single submitter. Criteria: ACMG Guidelines, 2015. Collection method: clinical testing. Allele origin: germline. Affected: no.